The following is an entry in ClinVar:

ClinVar aggregate classification (germline): Pathogenic (1 of 4 stars; one submission).

Conditions:
Cardioacrofacial dysplasia 2. Identifiers: MedGen C5436886, MONDO:0030877, OMIM 619143.

Submission:

Victorian Clinical Genetics Services, Murdoch Childrens Research Institute
Classification: Pathogenic for Cardioacrofacial dysplasia 2. Last evaluated: 2022-02-02. Review status: criteria provided, single submitter. Criteria: ACMG Guidelines, 2015. Collection method: clinical testing. Allele origin: germline. Inheritance: Autosomal dominant inheritance.
Comment: Based on the classification scheme VCGS_Germline_v1.3.4, this variant is classified as Pathogenic. Following criteria are met: 0101 - Gain of function is a known mechanism of disease in this gene and is associated with cardioacrofacial dysplasia 2 (MIM#619143; PMID: 33058759). (I) 0107 - This gene is associated with autosomal dominant disease. (I) 0200 - Variant is predicted to result in a missense amino acid change from histidine to leucine. (I) 0251 - This variant is heterozygous. (I) 0301 - Variant is absent from gnomAD (both v2 and v3). (SP) 0309 - An alternative amino acid change at the same position has been observed in gnomAD (v3) (1 heterozygote, 0 homozygotes). (I) 0502 - Missense variant with conflicting in silico predictions and uninformative conservation. (I) 0601 - Variant is located in the well-established functional protein kinase domain. This residue is close to the active site, and functional studies on alternative missense changes at this residue have shown it to be important for ATP-dependent response to cAMP (PMID: 33058759). (SP) 0703 - Other missense variants comparable to the one identified in this case have moderate previous evidence for pathogenicity. Alternative changes to asparagine and arginine have been reported de novo in individuals with cardioacrofacial dysplasia 2. (SP) 0807 - This variant has no previous evidence of pathogenicity. (I) 0905 - No published segregation evidence has been identified for this variant. (I) 1007 - No published functional evidence has been identified for this variant. (SP) Legend: (SP) - Supporting pathogenic, (I) - Information, (SB) - Supporting benign

Literature cited by the submitters: PubMed 33058759.

NM_182948.4(PRKACB):c.404A>T (p.His135Leu)

Gene: PRKACB (protein kinase cAMP-activated catalytic subunit beta; plus strand). Cytogenetic location: 1p31.1.
Variant type: single nucleotide variant.
Coding change: c.404A>T on transcript NM_182948.4 (MANE Select); coding-DNA position 404, A replaced by T.
Protein change: p.His135Leu; replaces histidine 135 with leucine.
Molecular consequence: missense variant. On other transcripts: intron variant (1).
Genome position (GRCh38, 1-based): chr1:84,184,062, A>T. VCF-style: chr1-84184062-A-T. GRCh37 (hg19) VCF-style: chr1-84649745-A-T.
Other names: c.284A>T, p.His95Leu (NM_001242857.3, NM_001375569.1, NM_001375581.1); c.227A>T, p.His76Leu (NM_001242858.3, NM_001300917.2, NM_001375578.1); c.275A>T, p.His92Leu (NM_001242859.3, NM_001375572.1); c.281A>T, p.His94Leu (NM_001242860.3, NM_001300915.2, NM_001375571.1); c.224A>T, p.His75Leu (NM_001242862.3, NM_001375565.1, NM_001375579.1 and 1 more transcripts); c.404A>T, p.His135Leu (NM_001300916.2); c.272A>T, p.His91Leu (NM_001375560.1, NM_001375573.1, NM_001375575.1); c.257A>T, p.His86Leu (NM_001375561.1, NM_001375574.1, NM_001375577.1); and 5 more; short protein forms H135L, H75L, H76L, H83L, H84L, H86L, H87L, H88L.
Identifiers: ClinVar variation 1805125 (VCV001805125.1), dbSNP rs768056300, ClinGen allele CA341107699.